The following is an entry in ClinVar:

ClinVar aggregate classification (germline): Uncertain significance (1 of 4 stars; one submission).

gnomAD v4.1: 17 of 1,599,596 alleles (0.0011%); highest among the groups gnomAD compares: Non-Finnish European, 0.0015%; no homozygotes.

Submission:

Mayo Clinic Laboratories, Mayo Clinic
Classification: Uncertain significance. Last evaluated: 2025-08-13. Review status: criteria provided, single submitter. Criteria: ACMG Guidelines, 2015. Collection method: clinical testing. Allele origin: germline. Observed: 2 variant alleles.
Comment: PP3_moderate, PM2_supporting

NM_000426.4(LAMA2):c.365A>G (p.His122Arg)

Gene: LAMA2 (laminin subunit alpha 2; plus strand). Cytogenetic location: 6q22.33.
Variant type: single nucleotide variant.
Coding change: c.365A>G on transcript NM_000426.4 (MANE Select); coding-DNA position 365, A replaced by G.
Protein change: p.His122Arg; replaces histidine 122 with arginine.
Molecular consequence: missense variant.
Genome position (GRCh38, 1-based): chr6:129,059,865, A>G. VCF-style: chr6-129059865-A-G. GRCh37 (hg19) VCF-style: chr6-129381010-A-G.
Other names: p.His122Arg; c.365A>G, p.His122Arg (NM_001079823.2); short protein forms H122R.
Identifiers: ClinVar variation 3379708 (VCV003379708.2).